The following is an entry in ClinVar:

NM_000057.4(BLM):c.800-2A>G

Gene: BLM (BLM RecQ like helicase; plus strand). Cytogenetic location: 15q26.1.
Variant type: single nucleotide variant.
Coding change: c.800-2A>G on transcript NM_000057.4 (MANE Select); the canonical splice acceptor site of the intron before coding-DNA position 800, A replaced by G.
Molecular consequence: splice acceptor variant.
Genome position (GRCh38, 1-based): chr15:90,751,785, A>G. VCF-style: chr15-90751785-A-G. GRCh37 (hg19) VCF-style: chr15-91295015-A-G.
Other names: c.800-2A>G (NM_001287246.2, NM_001287247.2); c.-492-2A>G (NM_001287248.2).
Identifiers: ClinVar variation 952330 (VCV000952330.12), dbSNP rs1895690125, ClinGen allele CA393841600.

ClinVar aggregate classification (germline): Conflicting classifications of pathogenicity. Review status: criteria provided, conflicting classifications (1 of 4 stars). 3 submissions from 3 submitters: Pathogenic (1); Likely pathogenic (1); Uncertain significance (1). Last evaluated 2025-06-18.

Conditions:
Bloom syndrome (BLM). Also called: Bloom-Torre-Machacek syndrome. Identifiers: Orphanet 125, MedGen C0005859, MONDO:0008876, OMIM 210900.

Submissions (3):

Labcorp Genetics (formerly Invitae), Labcorp
Classification: Uncertain significance for Bloom syndrome. Last evaluated: 2025-06-18. Review status: criteria provided, single submitter. Criteria: Invitae Variant Classification Sherloc (09022015). Collection method: clinical testing. Allele origin: germline.
Comment: This sequence change affects an acceptor splice site in intron 3 of the BLM gene. It is expected to disrupt RNA splicing. Variants that disrupt the donor or acceptor splice site typically lead to a loss of protein function (PMID: 16199547), and loss-of-function variants in BLM are known to be pathogenic (PMID: 17407155). This variant is not present in population databases (gnomAD no frequency). This variant has not been reported in the literature in individuals affected with BLM-related conditions. ClinVar contains an entry for this variant (Variation ID: 952330). Studies have shown that disruption of this splice site is associated with altered splicing resulting in multiple RNA products including both in-frame and out-of-frame transcripts (internal data). In summary, the available evidence is currently insufficient to determine the role of this variant in disease. Therefore, it has been classified as a Variant of Uncertain Significance.

Baylor Genetics
Classification: Likely pathogenic for Bloom syndrome. Last evaluated: 2022-07-06. Review status: criteria provided, single submitter. Criteria: ACMG Guidelines, 2015. Collection method: clinical testing. Allele origin: unknown.

Revvity Omics, Revvity
Classification: Pathogenic for Bloom syndrome. Last evaluated: 2019-01-02. Review status: criteria provided, single submitter. Criteria: ACMG Guidelines, 2015. Collection method: clinical testing. Allele origin: germline.

Literature cited by the submitters: PubMed 16199547 (cited by Labcorp Genetics (formerly Invitae), Labcorp); PubMed 17407155 (cited by Labcorp Genetics (formerly Invitae), Labcorp).